The following is an entry in ClinVar:

ClinVar aggregate classification (germline): Uncertain significance (1 of 4 stars; one submission).

Conditions:
Tuberous sclerosis 1 (TSC1). Identifiers: Orphanet 805, MedGen C1854465, MONDO:0008612, OMIM 191100.

Submission:

Labcorp Genetics (formerly Invitae), Labcorp
Classification: Uncertain significance for Tuberous sclerosis 1. Last evaluated: 2019-04-19. Review status: criteria provided, single submitter. Criteria: Invitae Variant Classification Sherloc (09022015). Collection method: clinical testing. Allele origin: germline.
Comment: In summary, the available evidence is currently insufficient to determine the role of this variant in disease. Therefore, it has been classified as a Variant of Uncertain Significance. Algorithms developed to predict the effect of sequence changes on RNA splicing suggest that this variant may create or strengthen a splice site, but this prediction has not been confirmed by published transcriptional studies. Algorithms developed to predict the effect of missense changes on protein structure and function are either unavailable or do not agree on the potential impact of this missense change (SIFT: "Tolerated"; PolyPhen-2: "Possibly Damaging"; Align-GVGD: "Class C0"). This variant has not been reported in the literature in individuals with TSC1-related conditions. This variant is not present in population databases (ExAC no frequency). This sequence change replaces leucine with valine at codon 1121 of the TSC1 protein (p.Leu1121Val). The leucine residue is moderately conserved and there is a small physicochemical difference between leucine and valine.

NM_000368.5(TSC1):c.3361C>G (p.Leu1121Val)

Gene: TSC1 (TSC complex subunit 1; minus strand). Cytogenetic location: 9q34.13.
Variant type: single nucleotide variant.
Coding change: c.3361C>G on transcript NM_000368.5 (MANE Select); coding-DNA position 3361, C replaced by G.
Protein change: p.Leu1121Val; replaces leucine 1121 with valine.
Molecular consequence: missense variant.
Genome position (GRCh38, 1-based): chr9:132,896,369, G>C on the plus strand (C>G on the coding strand, the complement: TSC1 is on the minus strand). VCF-style: chr9-132896369-G-C. GRCh37 (hg19) VCF-style: chr9-135771756-G-C.
Other names: c.3358C>G, p.Leu1120Val (NM_001162426.2); c.3208C>G, p.Leu1070Val (NM_001162427.2); c.2998C>G, p.Leu1000Val (NM_001362177.2); short protein forms L1000V, L1120V, L1121V, L1070V.
Identifiers: ClinVar variation 948865 (VCV000948865.9), dbSNP rs769478982, ClinGen allele CA375366534.